The following is an entry in ClinVar:

ClinVar aggregate classification (germline): Likely pathogenic (1 of 4 stars; one submission).

Submission:

Labcorp Genetics (formerly Invitae), Labcorp
Classification: Likely pathogenic. Last evaluated: 2024-09-08. Review status: criteria provided, single submitter. Criteria: Invitae Variant Classification Sherloc (09022015). Collection method: clinical testing. Allele origin: germline.
Comment: This variant, c.223_228dup, results in the insertion of 2 amino acid(s) of the GPR143 protein (p.Ala75_Ala76dup), but otherwise preserves the integrity of the reading frame. This variant is not present in population databases (gnomAD no frequency). This variant has been observed in individuals with oculocutaneous albinism (PMID: 28339057, 34838614, 35052368; internal data). This variant is also known as c.215_216insCGCTGC (p.71‑72intAA). In summary, the currently available evidence indicates that the variant is pathogenic, but additional data are needed to prove that conclusively. Therefore, this variant has been classified as Likely Pathogenic.

Literature cited by the submitters: PubMed 28339057; PubMed 34838614; PubMed 35052368.

NM_000273.3(GPR143):c.217GCTGCC[3] (p.Ala76_Cys77insAlaAla)

Gene: GPR143 (G protein-coupled receptor 143; minus strand). Cytogenetic location: Xp22.2.
Variant type: Microsatellite.
Coding change: c.217GCTGCC[3] on transcript NM_000273.3 (MANE Select); three copies in a row of the 6-base unit GCTGCC starting at c.217; the reference has two copies in a row; one copy, 6 bases duplicated.
Protein change: p.Ala76_Cys77insAlaAla.
Genome position (GRCh38, 1-based): chrX:9,765,590-9,765,595, GGCAGC duplicated on the plus strand (GCTGCC on the coding strand, the reverse complement: GPR143 is on the minus strand); duplicating any 6 consecutive bases within chrX:9,765,590-9,765,602 gives the same sequence; the position shown is the placement nearest the transcript's 3' end. VCF-style (leftmost placement, unchanged base first): chrX-9765589-A-AGGCAGC. GRCh37 (hg19) VCF-style: chrX-9733629-A-AGGCAGC.
Identifiers: ClinVar variation 3724040 (VCV003724040.2).